The following is an entry in ClinVar:

NM_007294.4(BRCA1):c.2177T>C (p.Leu726Pro)

Gene: BRCA1 (BRCA1 DNA repair associated; minus strand). Cytogenetic location: 17q21.31.
Variant type: single nucleotide variant.
Coding change: c.2177T>C on transcript NM_007294.4 (MANE Select); coding-DNA position 2177, T replaced by C.
Protein change: p.Leu726Pro; replaces leucine 726 with proline.
Molecular consequence: missense variant. On other transcripts: intron variant (137).
Genome position (GRCh38, 1-based): chr17:43,093,354, A>G on the plus strand (T>C on the coding strand, the complement: BRCA1 is on the minus strand). VCF-style: chr17-43093354-A-G. GRCh37 (hg19) VCF-style: chr17-41245371-A-G.
Other names: c.2174T>C, p.Leu725Pro (NM_001407631.1, NM_001407632.1, NM_001407633.1 and 22 more transcripts); c.2177T>C, p.Leu726Pro (NM_001407639.1, NM_001407640.1, NM_001407641.1 and 30 more transcripts); c.2168T>C, p.Leu723Pro (NM_001407646.1, NM_001407647.1); c.2054T>C, p.Leu685Pro (NM_001407648.1, NM_001407664.1, NM_001407665.1 and 19 more transcripts); c.2051T>C, p.Leu684Pro (NM_001407649.1, NM_001407670.1, NM_001407671.1 and 11 more transcripts); c.2099T>C, p.Leu700Pro (NM_001407653.1, NM_001407654.1, NM_001407655.1 and 4 more transcripts); c.2096T>C, p.Leu699Pro (NM_001407659.1, NM_001407660.1, NM_001407661.1 and 1 more transcripts); c.2036T>C, p.Leu679Pro (NM_001407692.1, NM_001407694.1, NM_001407695.1 and 29 more transcripts); and 41 more; short protein forms L726P, L679P, L558P, L614P, L615P, L637P, L599P, L685P.
Identifiers: ClinVar variation 431185 (VCV000431185.5), dbSNP rs1135401827, ClinGen allele CA10597647.
Genomic context (GRCh38, chr17:43,093,354, plus strand): 5'-TCTTCAGCATTATTAGACACTTTAACTGTTTCTAGTTTCTCTTCTTTTTCTTCTCTTGGA[A>G]GGCTAGGATTGACAAATTCTTTAAGTTCACTGGTATTTGAACACTTAGTAAAAGAACCAG-3'
Protein context (NP_009225.1, residues 716-736): SELKEFVNPS[Leu726Pro]PREEKEEKLE

ClinVar aggregate classification (germline): Conflicting classifications of pathogenicity. Review status: criteria provided, conflicting classifications (1 of 4 stars). 3 submissions from 3 submitters: Uncertain significance (1); Likely benign (2). Last evaluated 2024-03-14.

Conditions:
Hereditary cancer-predisposing syndrome. Also called: Hereditary Cancer Syndrome; Hereditary neoplastic syndrome; Neoplastic Syndromes, Hereditary; Tumor predisposition. Identifiers: Orphanet 140162, MedGen C0027672, MeSH D009386, MONDO:0015356.

Submissions (3):

Quest Diagnostics Nichols Institute San Juan Capistrano
Classification: Uncertain significance. Last evaluated: 2024-03-14. Review status: criteria provided, single submitter. Criteria: Quest Diagnostics criteria. Collection method: clinical testing. Allele origin: unknown.
Comment: The BRCA1 c.2177T>C (p.Leu726Pro) variant has been described to be located in a region of the BRCA1 gene that is tolerant to missense sequence changes (PMID: 31911673 (2020)), and has been observed in a reportedly healthy individual in a breast cancer association study (PMID: 33471991 (2021), see also LOVD). This variant has not been reported in large, multi-ethnic general populations (Genome Aggregation Database). Analysis of this variant using bioinformatics tools for the prediction of the effect of amino acid changes on protein structure and function yielded predictions that this variant is benign. Based on the available information, we are unable to determine the clinical significance of this variant.

University of Washington Department of Laboratory Medicine, University of Washington
Classification: Likely benign for Hereditary cancer-predisposing syndrome. Last evaluated: 2023-03-23. Review status: criteria provided, single submitter. Criteria: Dines et al. (Genet Med. 2020). Collection method: curation. Allele origin: germline.
Comment: Missense variant in a coldspot region where missense variants are very unlikely to be pathogenic (PMID:31911673).

BRCA1 coldspot (exon 11 using historical exon numbering). Reclassification based on statistical prior probability

Cancer Genetics and Genomics Laboratory, British Columbia Cancer Agency
Classification: Likely benign. Last evaluated: 2017-04-18. Review status: criteria provided, single submitter. Criteria: ACMG Guidelines, 2015. Collection method: clinical testing. Allele origin: germline. Study: The Canadian Open Genetics Repository (COGR).

Literature cited by the submitters: PubMed 33408741 (cited by Quest Diagnostics Nichols Institute San Juan Capistrano); PubMed 33471991 (cited by Quest Diagnostics Nichols Institute San Juan Capistrano); PubMed 31911673 (cited by Quest Diagnostics Nichols Institute San Juan Capistrano).